The following is an entry in ClinVar:

NM_014370.4(SRPK3):c.287G>A (p.Cys96Tyr)

Gene: SRPK3 (SRSF protein kinase 3; plus strand). Cytogenetic location: Xq28.
Variant type: single nucleotide variant.
Coding change: c.287G>A on transcript NM_014370.4 (MANE Select); coding-DNA position 287, G replaced by A.
Protein change: p.Cys96Tyr; replaces cysteine 96 with tyrosine.
Molecular consequence: missense variant.
Genome position (GRCh38, 1-based): chrX:153,781,601, G>A. VCF-style: chrX-153781601-G-A. GRCh37 (hg19) VCF-style: chrX-153047056-G-A.
Other names: c.287G>A, p.Cys96Tyr (NM_001170760.2, NM_001170761.2); short protein forms C96Y.
Identifiers: ClinVar variation 3600666 (VCV003600666.2).

ClinVar aggregate classification (germline): Uncertain significance (1 of 4 stars; one submission).

Submission:

GeneDx
Classification: Uncertain significance. Last evaluated: 2025-04-16. Review status: criteria provided, single submitter. Criteria: GeneDx Variant Classification Process June 2021. Collection method: clinical testing. Allele origin: germline. Affected: yes.
Comment: Not observed at significant frequency in large population cohorts (gnomAD); In silico analysis supports that this missense variant has a deleterious effect on protein structure/function; Has not been previously published as pathogenic or benign to our knowledge